The following is an entry in ClinVar:

NM_004655.4(AXIN2):c.1478_1489dup (p.Ser493_Ala496dup)

Gene: AXIN2 (axin 2; minus strand). Cytogenetic location: 17q24.1.
Variant type: Duplication.
Coding change: c.1478_1489dup on transcript NM_004655.4 (MANE Select); coding-DNA positions 1478 to 1489, 12 bases duplicated (CGCCGGGCGCCT).
Protein change: p.Ser493_Ala496dup.
Molecular consequence: inframe insertion.
Genome position (GRCh38, 1-based): chr17:65,537,547-65,537,558, AGGCGCCCGGCG duplicated on the plus strand (CGCCGGGCGCCT on the coding strand, the reverse complement: AXIN2 is on the minus strand); duplicating any 12 consecutive bases within chr17:65,537,547-65,537,563 gives the same sequence; the c. name uses the placement nearest the transcript's 3' end. VCF-style (leftmost placement, unchanged base first): chr17-65537546-C-CAGGCGCCCGGCG. GRCh37 (hg19) VCF-style: chr17-63533664-C-CAGGCGCCCGGCG.
Other names: c.1478_1489dup (LRG_296t1); c.1478_1489dup, p.Ser493_Ala496dup (NM_001363813.1).
Identifiers: ClinVar variation 408858 (VCV000408858.18), dbSNP rs748235355, ClinGen allele CA8718633.

ClinVar aggregate classification (germline): Uncertain significance. Review status: criteria provided, multiple submitters, no conflicts (2 of 4 stars). 4 submissions from 4 submitters: Uncertain significance (4). Last evaluated 2026-01-26.

Conditions:
Colorectal cancer. Also called: Colorectal cancer, somatic; Malignant Colorectal Neoplasm. Identifiers: MedGen C0346629, MONDO:0005575, OMIM 114500.
Hereditary cancer-predisposing syndrome. Also called: Hereditary Cancer Syndrome; Hereditary neoplastic syndrome; Neoplastic Syndromes, Hereditary; Tumor predisposition. Identifiers: Orphanet 140162, MedGen C0027672, MeSH D009386, MONDO:0015356.
Oligodontia-cancer predisposition syndrome. Also called: TOOTH AGENESIS-COLORECTAL CANCER SYNDROME. Identifiers: Orphanet 300576, MedGen C1837750, MONDO:0012075, OMIM 608615. Disease mechanism: loss of function.

Submissions (4):

Labcorp Genetics (formerly Invitae), Labcorp
Classification: Uncertain significance for Oligodontia-cancer predisposition syndrome. Last evaluated: 2026-01-26. Review status: criteria provided, single submitter. Criteria: Invitae Variant Classification Sherloc (09022015). Collection method: clinical testing. Allele origin: germline.
Comment: This variant, c.1478_1489dup, results in the insertion of 4 amino acid(s) of the AXIN2 protein (p.Ser493_Ala496dup), but otherwise preserves the integrity of the reading frame. This variant is present in population databases (rs748235355, gnomAD 0.02%). This variant has not been reported in the literature in individuals affected with AXIN2-related conditions. ClinVar contains an entry for this variant (Variation ID: 408858). Experimental studies and prediction algorithms are not available or were not evaluated, and the functional significance of this variant is currently unknown. In summary, the available evidence is currently insufficient to determine the role of this variant in disease. Therefore, it has been classified as a Variant of Uncertain Significance.

Ambry Genetics
Classification: Uncertain significance for Hereditary cancer-predisposing syndrome. Last evaluated: 2025-01-14. Review status: criteria provided, single submitter. Criteria: Ambry Variant Classification Scheme 2023. Collection method: clinical testing. Allele origin: germline.
Comment: The c.1478_1489dup12 variant (also known as p.S493_A496dup), located in coding exon 5 of the AXIN2 gene, results from an in-frame duplication of 12 nucleotides at nucleotide positions 1478 to 1489. This results in the duplication of 4 extra residues (SPGA) between codons 493 and 496. These amino acid positions are poorly conserved in available vertebrate species. In addition, this alteration is predicted to be neutral by in silico analysis (Choi Y et al. PLoS ONE. 2012; 7(10):e46688). Since supporting evidence is limited at this time, the clinical significance of this alteration remains unclear.

Baylor Genetics
Classification: Uncertain significance for Colorectal cancer. Last evaluated: 2024-01-03. Review status: criteria provided, single submitter. Criteria: ACMG Guidelines, 2015. Collection method: clinical testing. Allele origin: unknown.

GeneDx
Classification: Uncertain significance. Last evaluated: 2023-07-31. Review status: criteria provided, single submitter. Criteria: GeneDx Variant Classification Process June 2021. Collection method: clinical testing. Allele origin: germline. Affected: yes.
Comment: In-frame insertion of 4 amino acids in a non-repeat region; Not observed at significant frequency in large population cohorts (gnomAD); Has not been previously published as pathogenic or benign to our knowledge